The following is an entry in ClinVar:

ClinVar aggregate classification (germline): Pathogenic (1 of 4 stars; one submission).

Conditions:
Cornelia de Lange syndrome 1 (CDLS1). Also called: Brachmann de Lange syndrome; TYPUS DEGENERATIVUS AMSTELODAMENSIS; NIPBL-Related Cornelia de Lange Syndrome. Identifiers: Orphanet 199, MedGen C4551851, MONDO:0007387, OMIM 122470.

Submission:

Rady Children's Institute for Genomic Medicine, Rady Children's Hospital San Diego
Classification: Pathogenic for CORNELIA DE LANGE SYNDROME 1. Last evaluated: 2024-10-11. Review status: criteria provided, single submitter. Criteria: ACMG Guidelines, 2015. Collection method: clinical testing. Allele origin: germline. Affected: yes.
Comment: This frameshifting variant in exon 9 of 47 is predicted to result in loss of normal protein function through either protein truncation or nonsense-mediated mRNA decay. The NIPBL gene is constrained against variation (Z-score= 6.7 and pLI = 1), and loss-of-function variants are an established mechanism of disease (PMID: 20301283). This variant has not been previously reported or functionally characterized in the literature to our knowledge. The c.1025del (p.Ala342GlyfsTer6) variant is absent from the latest version of the gnomAD population database and thus is presumed to be rare. Based on parental analysis, this variant likely occurred as a de novo event. Based on the available evidence, c.1025del (p.Ala342GlyfsTer6) is classified as Pathogenic.

NM_133433.4(NIPBL):c.1025del (p.Ala342fs)

Gene: NIPBL (NIPBL cohesin loading factor; plus strand). Cytogenetic location: 5p13.2.
Variant type: Deletion.
Coding change: c.1025del on transcript NM_133433.4 (MANE Select); coding-DNA position 1025, one base deleted (C; older notation c.1025delC).
Protein change: p.Ala342fs; shifts the reading frame from alanine 342.
Molecular consequence: frameshift variant.
Genome position (GRCh38, 1-based): chr5:36,975,932, C deleted. VCF-style (leftmost placement, unchanged base first): chr5-36975931-GC-G. GRCh37 (hg19) VCF-style: chr5-36976033-GC-G.
Other names: c.1025del, p.Ala342fs (NM_015384.5); short protein forms A342fs.
Identifiers: ClinVar variation 3773842 (VCV003773842.1).
Genomic context (GRCh38, chr5:36,975,931, plus strand): 5'-AAACAAAAGAAGCAGAAGAAAATGAAATTAGGCAAGGATGAAAAAGAGCAGAGTGAGAAA[GC>G]GGCAATGTATGATATAATTAGTTCTCCATCCAAGGACTCTACTAAACTTACATTAAGACT-3'